The following is an entry in ClinVar:

ClinVar aggregate classification (germline): Uncertain significance (1 of 4 stars; one submission).

Submission:

Labcorp Genetics (formerly Invitae), Labcorp
Classification: Uncertain significance. Last evaluated: 2024-07-19. Review status: criteria provided, single submitter. Criteria: Invitae Variant Classification Sherloc (09022015). Collection method: clinical testing. Allele origin: germline.
Comment: This sequence change replaces methionine, which is neutral and non-polar, with threonine, which is neutral and polar, at codon 182 of the STT3A protein (p.Met182Thr). This variant is not present in population databases (gnomAD no frequency). This variant has not been reported in the literature in individuals affected with STT3A-related conditions. Advanced modeling of protein sequence and biophysical properties (such as structural, functional, and spatial information, amino acid conservation, physicochemical variation, residue mobility, and thermodynamic stability) performed at Invitae indicates that this missense variant is not expected to disrupt STT3A protein function with a negative predictive value of 80%. In summary, the available evidence is currently insufficient to determine the role of this variant in disease. Therefore, it has been classified as a Variant of Uncertain Significance.

NM_152713.5(STT3A):c.545T>C (p.Met182Thr)

Gene: STT3A (STT3 oligosaccharyltransferase complex catalytic subunit A; plus strand). Cytogenetic location: 11q24.2.
Variant type: single nucleotide variant.
Coding change: c.545T>C on transcript NM_152713.5 (MANE Select); coding-DNA position 545, T replaced by C.
Protein change: p.Met182Thr; replaces methionine 182 with threonine.
Molecular consequence: missense variant.
Genome position (GRCh38, 1-based): chr11:125,605,665, T>C. VCF-style: chr11-125605665-T-C. GRCh37 (hg19) VCF-style: chr11-125475560-T-C.
Other names: c.545T>C, p.Met182Thr (NM_001278503.2); c.269T>C, p.Met90Thr (NM_001278504.2); short protein forms M182T, M90T.
Identifiers: ClinVar variation 3634153 (VCV003634153.2).